The following is an entry in ClinVar:

NM_001211.6(BUB1B):c.1444A>G (p.Ile482Val)

Gene: BUB1B (BUB1 mitotic checkpoint serine/threonine kinase B; plus strand). Cytogenetic location: 15q15.1.
Variant type: single nucleotide variant.
Coding change: c.1444A>G on transcript NM_001211.6 (MANE Select); coding-DNA position 1444, A replaced by G.
Protein change: p.Ile482Val; replaces isoleucine 482 with valine.
Molecular consequence: missense variant.
Genome position (GRCh38, 1-based): chr15:40,200,286, A>G. VCF-style: chr15-40200286-A-G. GRCh37 (hg19) VCF-style: chr15-40492487-A-G.
Other names: short protein forms I482V.
Identifiers: ClinVar variation 848525 (VCV000848525.9), dbSNP rs780725534, ClinGen allele CA7475749.

ClinVar aggregate classification (germline): Uncertain significance (1 of 4 stars; one submission).

Conditions:
Mosaic variegated aneuploidy syndrome 1 (MVA1). Also called: Warburton-Anyane-Yeboa syndrome. Identifiers: Orphanet 1052, MedGen C1850343, MONDO:0009759, OMIM 257300.

Allele frequency attached by ClinVar (database versions not stated): ExAC 0.00003; gnomAD exomes 0.00001 and 0.00002.
gnomAD v4.1: 20 of 1,613,806 alleles (0.0012%); highest among the groups gnomAD compares: Non-Finnish European, 0.00017%; no homozygotes.

Submission:

Labcorp Genetics (formerly Invitae), Labcorp
Classification: Uncertain significance for Mosaic variegated aneuploidy syndrome 1. Last evaluated: 2019-04-26. Review status: criteria provided, single submitter. Criteria: Invitae Variant Classification Sherloc (09022015). Collection method: clinical testing. Allele origin: germline.
Comment: In summary, the available evidence is currently insufficient to determine the role of this variant in disease. Therefore, it has been classified as a Variant of Uncertain Significance. Algorithms developed to predict the effect of missense changes on protein structure and function (SIFT, PolyPhen-2, Align-GVGD) all suggest that this variant is likely to be tolerated, but these predictions have not been confirmed by published functional studies and their clinical significance is uncertain. This variant has not been reported in the literature in individuals with BUB1B-related conditions. This variant is present in population databases (rs780725534, ExAC 0.006%). This sequence change replaces isoleucine with valine at codon 482 of the BUB1B protein (p.Ile482Val). The isoleucine residue is weakly conserved and there is a small physicochemical difference between isoleucine and valine.